The following is an entry in ClinVar:

ClinVar aggregate classification (germline): Uncertain significance. Review status: criteria provided, multiple submitters, no conflicts (2 of 4 stars). 7 submissions from 7 submitters: Uncertain significance (6). 1 of the submissions does not count toward it. Last evaluated 2024-06-13.

Conditions:
Hereditary cancer-predisposing syndrome. Also called: Tumor predisposition; Hereditary Cancer Syndrome; Neoplastic Syndromes, Hereditary; Hereditary neoplastic syndrome. Identifiers: Orphanet 140162, MedGen C0027672, MeSH D009386, MONDO:0015356.
Microcephaly, normal intelligence and immunodeficiency (NBS). Also called: IMMUNODEFICIENCY, MICROCEPHALY, AND CHROMOSOMAL INSTABILITY; SEEMANOVA SYNDROME II; Nijmegen breakage syndrome; Microcephaly with normal intelligence immunodeficiency and lymphoreticular malignancies; Nonsyndromal microcephaly autosomal recessive with normal intelligence; Seemanova syndrome 2. Identifiers: Orphanet 647, MedGen C0398791, MONDO:0009623, OMIM 251260.
Aplastic anemia. Identifiers: Orphanet 182040, Orphanet 88, MedGen C0002874, MONDO:0015909, OMIM 609135, HP:0001915.

Submissions (7):

Ambry Genetics
Classification: Uncertain significance for Hereditary cancer-predisposing syndrome. Last evaluated: 2024-06-13. Review status: criteria provided, single submitter. Criteria: Ambry Variant Classification Scheme 2023. Collection method: clinical testing. Allele origin: germline.
Comment: The p.K690Q variant (also known as c.2068A>C), located in coding exon 13 of the NBN gene, results from an A to C substitution at nucleotide position 2068. The lysine at codon 690 is replaced by glutamine, an amino acid with similar properties. This variant was reported in 0/60,466 breast cancer cases and in 1/53,461 controls (Dorling et al. N Engl J Med. 2021 02;384:428-439). This amino acid position is highly conserved in available vertebrate species. In addition, the in silico prediction for this alteration is inconclusive. Since supporting evidence is limited at this time, the clinical significance of this alteration remains unclear.

Labcorp Genetics (formerly Invitae), Labcorp
Classification: Uncertain significance for Microcephaly, normal intelligence and immunodeficiency. Last evaluated: 2024-05-04. Review status: criteria provided, single submitter. Criteria: Invitae Variant Classification Sherloc (09022015). Collection method: clinical testing. Allele origin: germline.
Comment: This sequence change replaces lysine, which is basic and polar, with glutamine, which is neutral and polar, at codon 690 of the NBN protein (p.Lys690Gln). This variant is not present in population databases (gnomAD no frequency). This variant has not been reported in the literature in individuals affected with NBN-related conditions. ClinVar contains an entry for this variant (Variation ID: 127864). An algorithm developed to predict the effect of missense changes on protein structure and function (PolyPhen-2) suggests that this variant is likely to be disruptive. In summary, the available evidence is currently insufficient to determine the role of this variant in disease. Therefore, it has been classified as a Variant of Uncertain Significance.

Baylor Genetics
Classification: Uncertain significance for Aplastic anemia. Last evaluated: 2023-08-04. Review status: criteria provided, single submitter. Criteria: ACMG Guidelines, 2015. Collection method: clinical testing. Allele origin: unknown.

Genome-Nilou Lab
Classification: Uncertain significance for Microcephaly, normal intelligence and immunodeficiency. Last evaluated: 2021-11-07. Review status: criteria provided, single submitter. Criteria: ACMG Guidelines, 2015. Collection method: clinical testing. Allele origin: germline. Affected: no.

Sema4
Classification: Uncertain significance for Hereditary cancer-predisposing syndrome. Last evaluated: 2021-07-22. Review status: criteria provided, single submitter. Criteria: Sema4 Curation Guidelines. Collection method: curation. Allele origin: germline.
Comment: To the best of our knowledge, the NBN c.2068A>C (p.K690Q) variant has not been reported in individuals with NBN-related disease. It was not observed in the large and broad cohorts of the Genome Aggregation Database (PMID: 32461654). The variant has been reported in ClinVar (Variation ID 127864). Functional studies have not been performed and in silico tool predictions of the variant's effect on protein function are inconclusive. The evidence is insufficient to meet ACMG/AMP criteria for classifying the variant as benign or pathogenic. Thus, the clinical significance of this variant is currently uncertain.

GeneDx
Classification: Uncertain significance. Last evaluated: 2021-04-01. Review status: criteria provided, single submitter. Criteria: GeneDx Variant Classification Process June 2021. Collection method: clinical testing. Allele origin: germline. Affected: yes.
Comment: Not observed in large population cohorts (Lek 2016); In silico analysis supports that this missense variant has a deleterious effect on protein structure/function; Has not been previously published as pathogenic or benign to our knowledge; This variant is associated with the following publications: (PMID: 17612497)

Natera, Inc.
Classification: Uncertain significance for Nijmegen breakage syndrome. Last evaluated: 2020-11-03. Review status: no assertion criteria provided. Collection method: clinical testing. Allele origin: germline. Not counted in ClinVar's aggregate classification.

Literature cited by the submitters: PubMed 33471991 (cited by Ambry Genetics).

NM_002485.5(NBN):c.2068A>C (p.Lys690Gln)

Gene: NBN (nibrin; minus strand). Cytogenetic location: 8q21.3.
Variant type: single nucleotide variant.
Coding change: c.2068A>C on transcript NM_002485.5 (MANE Select); coding-DNA position 2068, A replaced by C.
Protein change: p.Lys690Gln; replaces lysine 690 with glutamine.
Molecular consequence: missense variant.
Genome position (GRCh38, 1-based): chr8:89,946,142, T>G on the plus strand (A>C on the coding strand, the complement: NBN is on the minus strand). VCF-style: chr8-89946142-T-G. GRCh37 (hg19) VCF-style: chr8-90958370-T-G.
Other names: p.K690Q:AAG>CAG; c.1822A>C, p.Lys608Gln (NM_001024688.3); short protein forms K690Q, K608Q.
Identifiers: ClinVar variation 127864 (VCV000127864.27), dbSNP rs587780092, ClinGen allele CA287916.